The following is an entry in ClinVar:

NM_000258.3(MYL3):c.296C>G (p.Pro99Arg)

Gene: MYL3 (myosin light chain 3; minus strand). Cytogenetic location: 3p21.31.
Variant type: single nucleotide variant.
Coding change: c.296C>G on transcript NM_000258.3 (MANE Select); coding-DNA position 296, C replaced by G.
Protein change: p.Pro99Arg; replaces proline 99 with arginine.
Molecular consequence: missense variant.
Genome position (GRCh38, 1-based): chr3:46,860,687, G>C on the plus strand (C>G on the coding strand, the complement: MYL3 is on the minus strand). VCF-style: chr3-46860687-G-C. GRCh37 (hg19) VCF-style: chr3-46902177-G-C.
Other names: short protein forms P99R.
Identifiers: ClinVar variation 1396749 (VCV001396749.6), dbSNP rs2106909627, ClinGen allele CA352497809.

ClinVar aggregate classification (germline): Uncertain significance (1 of 4 stars; one submission).

Conditions:
Hypertrophic cardiomyopathy. Also called: HYPERTROPHIC MYOCARDIOPATHY. Identifiers: Orphanet 217569, MedGen C0007194, MeSH D002312, MONDO:0005045, HP:0001639.

Submission:

Labcorp Genetics (formerly Invitae), Labcorp
Classification: Uncertain significance for Hypertrophic cardiomyopathy. Last evaluated: 2021-12-10. Review status: criteria provided, single submitter. Criteria: Invitae Variant Classification Sherloc (09022015). Collection method: clinical testing. Allele origin: germline.
Comment: In summary, the available evidence is currently insufficient to determine the role of this variant in disease. Therefore, it has been classified as a Variant of Uncertain Significance. Algorithms developed to predict the effect of missense changes on protein structure and function are either unavailable or do not agree on the potential impact of this missense change (SIFT: "Deleterious"; PolyPhen-2: "Probably Damaging"; Align-GVGD: "Class C0"). This variant has not been reported in the literature in individuals affected with MYL3-related conditions. This variant is not present in population databases (gnomAD no frequency). This sequence change replaces proline, which is neutral and non-polar, with arginine, which is basic and polar, at codon 99 of the MYL3 protein (p.Pro99Arg).